The following is an entry in ClinVar:

ClinVar aggregate classification (germline): Uncertain significance (1 of 4 stars; one submission).

Conditions:
Hereditary cancer-predisposing syndrome. Also called: Tumor predisposition; Hereditary Cancer Syndrome; Hereditary neoplastic syndrome; Neoplastic Syndromes, Hereditary. Identifiers: Orphanet 140162, MedGen C0027672, MeSH D009386, MONDO:0015356.

Submission:

Ambry Genetics
Classification: Uncertain significance for Hereditary cancer-predisposing syndrome. Last evaluated: 2024-04-22. Review status: criteria provided, single submitter. Criteria: Ambry Variant Classification Scheme 2023. Collection method: clinical testing. Allele origin: germline.
Comment: The p.L471Q variant (also known as c.1412T>A), located in coding exon 8 of the DICER1 gene, results from a T to A substitution at nucleotide position 1412. The leucine at codon 471 is replaced by glutamine, an amino acid with dissimilar properties. This amino acid position is conserved. In addition, this alteration is predicted to be deleterious by in silico analysis. Based on the available evidence, the clinical significance of this variant remains unclear.

NM_177438.3(DICER1):c.1412T>A (p.Leu471Gln)

Gene: DICER1 (dicer 1, ribonuclease III; minus strand). Cytogenetic location: 14q32.13.
Variant type: single nucleotide variant.
Coding change: c.1412T>A on transcript NM_177438.3 (MANE Select); coding-DNA position 1412, T replaced by A.
Protein change: p.Leu471Gln; replaces leucine 471 with glutamine.
Molecular consequence: missense variant. On other transcripts: 5 prime UTR variant (1), non-coding transcript variant (6).
Genome position (GRCh38, 1-based): chr14:95,117,719, A>T on the plus strand (T>A on the coding strand, the complement: DICER1 is on the minus strand). VCF-style: chr14-95117719-A-T. GRCh37 (hg19) VCF-style: chr14-95584056-A-T.
Other names: c.1412T>A, p.Leu471Gln (NM_001271282.3, NM_001291628.2, NM_001395677.1 and 12 more transcripts); c.1130T>A, p.Leu377Gln (NM_001395686.1); c.1007T>A, p.Leu336Gln (NM_001395687.1, NM_001395688.1, NM_001395689.1 and 3 more transcripts); c.845T>A, p.Leu282Gln (NM_001395691.1); c.-157T>A (NM_001395697.1); short protein forms L377Q, L471Q, L282Q, L336Q.
Identifiers: ClinVar variation 3272012 (VCV003272012.1).